The following is an entry in ClinVar:

NM_152468.5(TMC8):c.533C>G (p.Ala178Gly)

Gene: TMC8 (transmembrane channel like 8; plus strand). Cytogenetic location: 17q25.3.
Variant type: single nucleotide variant.
Coding change: c.533C>G on transcript NM_152468.5 (MANE Select); coding-DNA position 533, C replaced by G.
Protein change: p.Ala178Gly; replaces alanine 178 with glycine.
Molecular consequence: missense variant.
Genome position (GRCh38, 1-based): chr17:78,133,407, C>G. VCF-style: chr17-78133407-C-G. GRCh37 (hg19) VCF-style: chr17-76129488-C-G.
Other names: short protein forms A178G.
Identifiers: ClinVar variation 1063621 (VCV001063621.9), dbSNP rs138940132, ClinGen allele CA401242849.

ClinVar aggregate classification (germline): Uncertain significance (1 of 4 stars; one submission).

Conditions:
Epidermodysplasia verruciformis. Identifiers: Orphanet 302, MedGen C0014522, MONDO:0009176.

Submission:

Labcorp Genetics (formerly Invitae), Labcorp
Classification: Uncertain significance for Epidermodysplasia verruciformis. Last evaluated: 2020-01-15. Review status: criteria provided, single submitter. Criteria: Invitae Variant Classification Sherloc (09022015). Collection method: clinical testing. Allele origin: germline.
Comment: In summary, the available evidence is currently insufficient to determine the role of this variant in disease. Therefore, it has been classified as a Variant of Uncertain Significance. Algorithms developed to predict the effect of missense changes on protein structure and function are either unavailable or do not agree on the potential impact of this missense change (SIFT: "Tolerated"; PolyPhen-2: "Possibly Damaging"; Align-GVGD: "Class C0"). This variant has not been reported in the literature in individuals with TMC8-related conditions. This variant is not present in population databases (ExAC no frequency). This sequence change replaces alanine with glycine at codon 178 of the TMC8 protein (p.Ala178Gly). The alanine residue is weakly conserved and there is a small physicochemical difference between alanine and glycine.